The following is an entry in ClinVar:

NM_000539.3(RHO):c.405G>T (p.Arg135=)

Gene: RHO (rhodopsin; plus strand). Cytogenetic location: 3q22.1.
Variant type: single nucleotide variant.
Coding change: c.405G>T on transcript NM_000539.3 (MANE Select); coding-DNA position 405, G replaced by T.
Protein change: p.Arg135=; no amino-acid change (arginine 135 retained).
Molecular consequence: synonymous variant.
Genome position (GRCh38, 1-based): chr3:129,530,919, G>T. VCF-style: chr3-129530919-G-T. GRCh37 (hg19) VCF-style: chr3-129249762-G-T.
Identifiers: ClinVar variation 387316 (VCV000387316.1), dbSNP rs1057522760, ClinGen allele CA16604469.

ClinVar aggregate classification (germline): Likely benign (1 of 4 stars; one submission).

gnomAD v4.1: 1 of 1,614,272 alleles (0.000062%); highest among the groups gnomAD compares: Non-Finnish European, 0.000085%; no homozygotes.

Submission:

GeneDx
Classification: Likely benign. Last evaluated: 2016-07-11. Review status: criteria provided, single submitter. Criteria: GeneDx Variant Classification (06012015). Collection method: clinical testing. Allele origin: germline. Affected: yes.
Comment: This variant is considered likely benign or benign based on one or more of the following criteria: it is a conservative change, it occurs at a poorly conserved position in the protein, it is predicted to be benign by multiple in silico algorithms, and/or has population frequency not consistent with disease.